The following is an entry in ClinVar:

ClinVar aggregate classification (germline): Benign/Likely benign. Review status: criteria provided, multiple submitters, no conflicts (2 of 4 stars). 7 submissions from 7 submitters: Benign (4); Likely benign (1). 2 of the submissions do not count toward it. Last evaluated 2026-02-04.

Conditions:
Hyper-IgM syndrome type 1. Also called: CD40 Ligand Deficiency; X-linked hyper-IgM syndrome; Immunodeficiency, X-linked, with hyper-IgM; Hyper-IgM Immunodeficiency Syndrome, Type 1. Identifiers: Orphanet 101088, MedGen C0398689, MONDO:0010626, OMIM 308230.

Allele frequency attached by ClinVar (database versions not stated): gnomAD exomes 0.11406 and 0.16664; ExAC 0.18138; gnomAD 0.26957 and 0.27747; TOPMed 0.29772; ESP Exome Variant Server 0.30726; 1000 Genomes Project 0.32026; 1000 Genomes Project 30x 0.33299.
gnomAD v4.1: 156,459 of 1,206,594 alleles (13%); highest among the groups gnomAD compares: African/African-American, 71%; 15,267 homozygotes.

Submissions (7):

Labcorp Genetics (formerly Invitae), Labcorp
Classification: Benign for Hyper-IgM syndrome type 1. Last evaluated: 2026-02-04. Review status: criteria provided, single submitter. Criteria: Invitae Variant Classification Sherloc (09022015). Collection method: clinical testing. Allele origin: germline.

Blueprint Genetics
Classification: Likely benign. Last evaluated: 2024-11-28. Review status: criteria provided, single submitter. Criteria: ACMG Guidelines, 2015. Collection method: clinical testing. Allele origin: germline.

Unidad de Genómica Garrahan, Hospital de Pediatría Garrahan
Classification: Benign. Last evaluated: 2024-01-24. Review status: criteria provided, single submitter. Criteria: ACMG Guidelines, 2015. Collection method: clinical testing. Allele origin: germline. Affected: no. Observed: 20 variant alleles.
Comment: This variant is classified as Benign based on local population frequency. This variant was detected in 21% of patients studied by a panel of primary immunodeficiencies. Number of patients: 20. Only high quality variants are reported.

GeneDx
Classification: Benign. Last evaluated: 2015-03-03. Review status: criteria provided, single submitter. Criteria: GeneDx Variant Classification Process June 2021. Collection method: clinical testing. Allele origin: germline. Affected: yes.

Breakthrough Genomics
Classification: Benign. Review status: criteria provided, single submitter. Criteria: ACMG Guidelines, 2015. Collection method: not provided. Allele origin: germline. Inheritance: X-linked inheritance. Affected: yes.

Diagnostic Laboratory, Department of Genetics, University Medical Center Groningen
Classification: Benign for Hyper-IgM syndrome type 1. Review status: no assertion criteria provided. Collection method: clinical testing. Allele origin: germline. Affected: yes. Study: VKGL Data-share Consensus. Not counted in ClinVar's aggregate classification.

Genome Diagnostics Laboratory, University Medical Center Utrecht
Classification: Likely benign. Review status: no assertion criteria provided. Collection method: clinical testing. Allele origin: germline. Affected: yes. Study: VKGL Data-share Consensus. Not counted in ClinVar's aggregate classification.

NM_000074.3(CD40LG):c.410-13T>C

Gene: CD40LG (CD40 ligand; plus strand). Cytogenetic location: Xq26.3.
Variant type: single nucleotide variant.
Coding change: c.410-13T>C on transcript NM_000074.3 (MANE Select); 13 bases into the intron before coding-DNA position 410, T replaced by C.
Molecular consequence: intron variant.
Genome position (GRCh38, 1-based): chrX:136,659,026, T>C. VCF-style: chrX-136659026-T-C. GRCh37 (hg19) VCF-style: chrX-135741185-T-C.
Identifiers: ClinVar variation 518407 (VCV000518407.17), dbSNP rs3092923, ClinGen allele CA10528142.